The following is an entry in ClinVar:

NM_005529.7(HSPG2):c.8025+1G>A

Gene: HSPG2 (heparan sulfate proteoglycan 2; minus strand). Cytogenetic location: 1p36.12.
Variant type: single nucleotide variant.
Coding change: c.8025+1G>A on transcript NM_005529.7 (MANE Select); the canonical splice donor site of the intron after coding-DNA position 8025, G replaced by A.
Molecular consequence: splice donor variant.
Genome position (GRCh38, 1-based): chr1:21,847,688, C>T on the plus strand (G>A on the coding strand, the complement: HSPG2 is on the minus strand). VCF-style: chr1-21847688-C-T. GRCh37 (hg19) VCF-style: chr1-22174181-C-T.
Other names: c.8028+1G>A (NM_001291860.2).
Identifiers: ClinVar variation 3381885 (VCV003381885.2).

ClinVar aggregate classification (germline): Likely pathogenic (1 of 4 stars; one submission).

Conditions:
Lethal Kniest-like syndrome (DDSH). Also called: Dyssegmental Dysplasia. Identifiers: Orphanet 1865, MedGen C1857100, MONDO:0009140, OMIM 224410.
Schwartz-Jampel syndrome type 1 (SJS1). Also called: MYOTONIC MYOPATHY, DWARFISM, CHONDRODYSTROPHY, AND OCULAR AND FACIAL ABNORMALITIES; CHONDRODYSTROPHIC MYOTONIA. Identifiers: MedGen C4551479, MONDO:0100435, OMIM 255800.

Submission:

Juno Genomics, Hangzhou Juno Genomics, Inc
Classification: Likely pathogenic for Lethal Kniest-like syndrome; Schwartz-Jampel syndrome type 1. Review status: criteria provided, single submitter. Criteria: ACMG Guidelines, 2015. Collection method: clinical testing. Allele origin: germline. Affected: yes.
Comment: Absent from controls (or at extremely low frequency if recessive) in Genome Aggregation Database, Exome Sequencing Project, 1000 Genomes Project, or Exome Aggregation Consortium.;Null variant in a gene where loss of function (LOF) is a known mechanism of disease.